The following is an entry in ClinVar:

NM_001267550.2(TTN):c.7198A>G (p.Arg2400Gly)

Genes: TTN (titin; minus strand), LOC126806433 (BRD4-independent group 4 enhancer GRCh37_chr2:179638309-179639508; plus strand). Cytogenetic location: 2q31.2.
Variant type: single nucleotide variant.
Coding change: c.7198A>G on transcript NM_001267550.2 (MANE Select); coding-DNA position 7198, A replaced by G.
Protein change: p.Arg2400Gly; replaces arginine 2400 with glycine.
Molecular consequence: missense variant.
Genome position (GRCh38, 1-based): chr2:178,773,970, T>C on the plus strand (A>G on the coding strand, the complement: TTN is on the minus strand). VCF-style: chr2-178773970-T-C. GRCh37 (hg19) VCF-style: chr2-179638697-T-C.
Other names: c.7198A>G, p.Arg2400Gly (NM_001256850.1, NM_133378.4, NM_133379.5); c.7060A>G, p.Arg2354Gly (NM_003319.4, NM_133432.3, NM_133437.4); short protein forms R2354G, R2400G.
Identifiers: ClinVar variation 3377865 (VCV003377865.1).

ClinVar aggregate classification (germline): Uncertain significance (1 of 4 stars; one submission).

gnomAD v4.1: 2 of 1,614,102 alleles (0.00012%); highest among the groups gnomAD compares: Admixed American, 0.0017%; no homozygotes.

Submission:

GeneDx
Classification: Uncertain significance. Last evaluated: 2024-05-15. Review status: criteria provided, single submitter. Criteria: GeneDx Variant Classification Process June 2021. Collection method: clinical testing. Allele origin: germline. Affected: yes.
Comment: Not observed at significant frequency in large population cohorts (gnomAD); Missense variant in a gene in which most reported pathogenic variants are truncating/loss of function; Has not been previously published as pathogenic or benign to our knowledge